The following is an entry in ClinVar:

ClinVar aggregate classification (germline): Benign. Review status: reviewed by expert panel (3 of 4 stars). 2 submissions from 2 submitters: Benign (1). 1 of the submissions does not count toward it. Last evaluated 2015-01-12.

Conditions:
Breast-ovarian cancer, familial, susceptibility to, 2 (BROVCA2). Also called: BRCA2 Hereditary Breast and Ovarian Cancer. Identifiers: Orphanet 145, MedGen C2675520, MONDO:0012933, OMIM 612555. Disease mechanism: loss of function.

Allele frequency attached by ClinVar (database versions not stated): 1000 Genomes Project 30x 0.50859; TOPMed 0.51013; 1000 Genomes Project 0.51158; gnomAD 0.51791 and 0.51793.
gnomAD v4.1: 78,580 of 151,958 alleles (52%); highest among the groups gnomAD compares: East Asian, 57%; 20,412 homozygotes.

Submissions (2):

Evidence-based Network for the Interpretation of Germline Mutant Alleles (ENIGMA)
Classification: Benign for Breast-ovarian cancer, familial 2. Last evaluated: 2015-01-12. Review status: reviewed by expert panel. Criteria: ENIGMA BRCA1/2 Classification Criteria (2015). Collection method: curation. Allele origin: germline.
Comment: Class 1 not pathogenic based on frequency >1% in an outbred sampleset. Frequency 0.549 (Asian), 0.502 (African), 0.5383 (European), derived from 1000 genomes (2012-04-30).

GeneDx
Classification: Benign. Last evaluated: 2018-07-09. Review status: criteria provided, single submitter. Criteria: GeneDx Variant Classification Process June 2021. Collection method: clinical testing. Allele origin: germline. Affected: yes. Not counted in ClinVar's aggregate classification.

NM_000059.4(BRCA2):c.9502-299G>C

Gene: BRCA2 (BRCA2 DNA repair associated; plus strand). Cytogenetic location: 13q13.1.
Variant type: single nucleotide variant.
Coding change: c.9502-299G>C on transcript NM_000059.4 (MANE Select); 299 bases into the intron before coding-DNA position 9502, G replaced by C.
Molecular consequence: intron variant.
Genome position (GRCh38, 1-based): chr13:32,396,599, G>C. VCF-style: chr13-32396599-G-C. GRCh37 (hg19) VCF-style: chr13-32970736-G-C.
Other names: IVS 25-299G>C.
Identifiers: ClinVar variation 209963 (VCV000209963.3), dbSNP rs1012129, ClinGen allele CA276930.